The following is an entry in ClinVar:

ClinVar aggregate classification (germline): Uncertain significance (1 of 4 stars; one submission).

Allele frequency attached by ClinVar (database versions not stated): gnomAD exomes 0.00002.
gnomAD v4.1: 10 of 1,609,636 alleles (0.00062%); highest among the groups gnomAD compares: East Asian, 0.022%; no homozygotes.

Submission:

Labcorp Genetics (formerly Invitae), Labcorp
Classification: Uncertain significance. Last evaluated: 2022-08-18. Review status: criteria provided, single submitter. Criteria: Invitae Variant Classification Sherloc (09022015). Collection method: clinical testing. Allele origin: germline.
Comment: This sequence change falls in intron 13 of the GEN1 gene. It does not directly change the encoded amino acid sequence of the GEN1 protein. It affects a nucleotide within the consensus splice site. This variant is not present in population databases (gnomAD no frequency). This variant has not been reported in the literature in individuals affected with GEN1-related conditions. Variants that disrupt the consensus splice site are a relatively common cause of aberrant splicing (PMID: 17576681, 9536098). Algorithms developed to predict the effect of sequence changes on RNA splicing suggest that this variant may disrupt the consensus splice site. In summary, the available evidence is currently insufficient to determine the role of this variant in disease. Therefore, it has been classified as a Variant of Uncertain Significance.

Literature cited by the submitters: PubMed 17576681; PubMed 9536098.

NM_001130009.3(GEN1):c.1408+4A>G

Gene: GEN1 (GEN1 structure-specific endonuclease; plus strand). Cytogenetic location: 2p24.2.
Variant type: single nucleotide variant.
Coding change: c.1408+4A>G on transcript NM_001130009.3 (MANE Select); 4 bases into the intron after coding-DNA position 1408, A replaced by G.
Molecular consequence: intron variant.
Genome position (GRCh38, 1-based): chr2:17,780,125, A>G. VCF-style: chr2-17780125-A-G. GRCh37 (hg19) VCF-style: chr2-17961392-A-G.
Other names: c.1408+4A>G (NM_182625.5).
Identifiers: ClinVar variation 2172935 (VCV002172935.4), dbSNP rs1672755355, ClinGen allele CA2491976035.